The following is an entry in ClinVar:

ClinVar aggregate classification (germline): Uncertain significance. Review status: criteria provided, multiple submitters, no conflicts (2 of 4 stars). 5 submissions from 5 submitters: Uncertain significance (5). Last evaluated 2024-12-22.

Conditions:
Cardiovascular phenotype. Identifiers: MedGen CN230736.
Long QT syndrome (LQTS). Identifiers: MedGen C0023976, MeSH D008133, MONDO:0002442. Disease mechanism: loss of function. Inheritance: Various modes of inheritance.
Long QT syndrome 12 (LQT12). Identifiers: Orphanet 101016, Orphanet 768, MedGen C2751830, MONDO:0013062, OMIM 612955.

Allele frequency attached by ClinVar (database versions not stated): gnomAD 0.00001; gnomAD exomes 0.00003 and 0.00007; TOPMed 0.00003; ExAC 0.00005.

Submissions (5):

Labcorp Genetics (formerly Invitae), Labcorp
Classification: Uncertain significance for Long QT syndrome. Last evaluated: 2024-12-22. Review status: criteria provided, single submitter. Criteria: Invitae Variant Classification Sherloc (09022015). Collection method: clinical testing. Allele origin: germline.
Comment: This sequence change replaces aspartic acid, which is acidic and polar, with glutamic acid, which is acidic and polar, at codon 253 of the SNTA1 protein (p.Asp253Glu). This variant is present in population databases (rs759487225, gnomAD 0.01%). This missense change has been observed in individual(s) with long QT syndrome (PMID: 30369311). ClinVar contains an entry for this variant (Variation ID: 190912). Invitae Evidence Modeling of protein sequence and biophysical properties (such as structural, functional, and spatial information, amino acid conservation, physicochemical variation, residue mobility, and thermodynamic stability) indicates that this missense variant is not expected to disrupt SNTA1 protein function with a negative predictive value of 80%. In summary, the available evidence is currently insufficient to determine the role of this variant in disease. Therefore, it has been classified as a Variant of Uncertain Significance.

Women's Health and Genetics/Laboratory Corporation of America, LabCorp
Classification: Uncertain significance. Last evaluated: 2023-09-26. Review status: criteria provided, single submitter. Criteria: LabCorp Variant Classification Summary - May 2015. Collection method: clinical testing. Allele origin: germline.
Comment: Variant summary: SNTA1 c.759T>A (p.Asp253Glu) results in a conservative amino acid change located in the Pleckstrin homology domain (IPR001849) of the encoded protein sequence. Three of five in-silico tools predict a benign effect of the variant on protein function. The variant allele was found at a frequency of 7.2e-05 in 250780 control chromosomes. The observed variant frequency is approximately 22 fold of the estimated maximal expected allele frequency for a pathogenic variant in SNTA1 causing Long QT Syndrome phenotype (3.3e-06), suggesting that the variant is benign, although penetrance is reduced and symptoms may present in adulthood. c.759T>A has been reported in the literature in one individual with clinical features of long QT syndrome (Gibbs_2018). This individual had an additional variant in the CACNA1C gene, and the authors classified both alterations as uncertain significance. Therefore, this report does not provide unequivocal conclusions about association of the variant with Long QT Syndrome. To our knowledge, no experimental evidence demonstrating an impact on protein function has been reported. The following publication has been ascertained in the context of this evaluation (PMID: 30369311). Four submitters have cited clinical-significance assessments for this variant to ClinVar after 2014. All submitters classified the variant as uncertain significance. Based on the evidence outlined above, the variant was classified as VUS-possibly benign.

Fulgent Genetics
Classification: Uncertain significance for Long QT syndrome 12. Last evaluated: 2021-07-23. Review status: criteria provided, single submitter. Criteria: ACMG Guidelines, 2015. Collection method: clinical testing. Allele origin: unknown.

Ambry Genetics
Classification: Uncertain significance for Cardiovascular phenotype. Last evaluated: 2019-04-09. Review status: criteria provided, single submitter. Criteria: Ambry Variant Classification Scheme 2023. Collection method: clinical testing. Allele origin: germline.
Comment: The p.D253E variant (also known as c.759T>A), located in coding exon 4 of the SNTA1 gene, results from a T to A substitution at nucleotide position 759. The aspartic acid at codon 253 is replaced by glutamic acid, an amino acid with highly similar properties. This amino acid position is highly conserved in available vertebrate species. In addition, this alteration is predicted to be tolerated by in silico analysis. Since supporting evidence is limited at this time, the clinical significance of this alteration remains unclear.

GeneDx
Classification: Uncertain significance. Last evaluated: 2017-08-29. Review status: criteria provided, single submitter. Criteria: GeneDx Variant Classification (06012015). Collection method: clinical testing. Allele origin: germline. Affected: yes.
Comment: The D253E variant of uncertain significance in the SNTA1 gene has not been published as pathogenic or been reported as benign to our knowledge. However, this variant has been observed in other unrelated individuals referred for cardiac genetic testing at GeneDx. This substitution occurs at a position that is conserved across species, and in silico analysis predicts this variant is probably damaging to the protein structure/function. Nevertheless, the D253E variant is a conservative amino acid substitution, which is not likely to impact secondary protein structure as these residues share similar properties. Furthermore, the D253E variant was observed in 6/63,534 alleles from individuals of European (Non-Finnish) ancestry in the Exome Aggregation Consortium (ExAC) (Lek et al., 2016).

Literature cited by the submitters: PubMed 30369311 (cited by Labcorp Genetics (formerly Invitae), Labcorp and Women's Health and Genetics/Laboratory Corporation of America, LabCorp).

NM_003098.3(SNTA1):c.759T>A (p.Asp253Glu)

Gene: SNTA1 (syntrophin alpha 1; minus strand). Cytogenetic location: 20q11.21.
Variant type: single nucleotide variant.
Coding change: c.759T>A on transcript NM_003098.3 (MANE Select); coding-DNA position 759, T replaced by A.
Protein change: p.Asp253Glu; replaces aspartic acid 253 with glutamic acid.
Molecular consequence: missense variant.
Genome position (GRCh38, 1-based): chr20:33,412,725, A>T on the plus strand (T>A on the coding strand, the complement: SNTA1 is on the minus strand). VCF-style: chr20-33412725-A-T. GRCh37 (hg19) VCF-style: chr20-32000531-A-T.
Other names: p.D253E:GAT>GAA; short protein forms D253E.
Identifiers: ClinVar variation 190912 (VCV000190912.13), dbSNP rs759487225, ClinGen allele CA302267.
Genomic context (GRCh38, chr20:33,412,725, plus strand): 5'-CGGCGTCAGAGTATTGACCTGGGCTTGGATGGCAGTCGCCCACGACCTCGCACTAGCCTC[A>T]TCCTTGGCCCTCAGGAAGAGGGTGTCTTGACCATCTGCCGAGCAGATCTCCAGATACCTG-3'
Protein context (NP_003089.1, residues 243-263): GQDTLFLRAK[Asp253Glu]EASARSWATA